The following is an entry in ClinVar:

NM_004606.5(TAF1):c.2121+6T>G

Gene: TAF1 (TATA-box binding protein associated factor 1; plus strand). Cytogenetic location: Xq13.1.
Variant type: single nucleotide variant.
Coding change: c.2121+6T>G on transcript NM_004606.5 (MANE Select); 6 bases into the intron after coding-DNA position 2121, T replaced by G.
Molecular consequence: intron variant.
Genome position (GRCh38, 1-based): chrX:71,384,141, T>G. VCF-style: chrX-71384141-T-G. GRCh37 (hg19) VCF-style: chrX-70603991-T-G.
Other names: c.2121+6T>G (NM_001440852.1, NM_001440853.1, NM_001286074.2); c.2058+6T>G (NM_001440854.1, NM_138923.4).
Identifiers: ClinVar variation 4762196 (VCV004762196.1).

ClinVar aggregate classification (germline): Uncertain significance (1 of 4 stars; one submission).

Submission:

Labcorp Genetics (formerly Invitae), Labcorp
Classification: Uncertain significance. Last evaluated: 2025-06-04. Review status: criteria provided, single submitter. Criteria: Invitae Variant Classification Sherloc (09022015). Collection method: clinical testing. Allele origin: germline.
Comment: This sequence change falls in intron 13 of the TAF1 gene. It does not directly change the encoded amino acid sequence of the TAF1 protein. It affects a nucleotide within the consensus splice site. This variant is not present in population databases (gnomAD no frequency). This variant has not been reported in the literature in individuals affected with TAF1-related conditions. Variants that disrupt the consensus splice site are a relatively common cause of aberrant splicing (PMID: 17576681, 9536098). Algorithms developed to predict the effect of sequence changes on RNA splicing suggest that this variant may disrupt the consensus splice site. In summary, the available evidence is currently insufficient to determine the role of this variant in disease. Therefore, it has been classified as a Variant of Uncertain Significance.

Literature cited by the submitters: PubMed 17576681; PubMed 9536098.